The following is an entry in ClinVar:

ClinVar aggregate classification (germline): Uncertain significance (1 of 4 stars; one submission).

Allele frequency attached by ClinVar (database versions not stated): gnomAD 0.00001; TOPMed 0.00003; gnomAD exomes 0.00006; ExAC 0.00009; 1000 Genomes Project 30x 0.00016; 1000 Genomes Project 0.00020.
gnomAD v4.1: 101 of 1,611,956 alleles (0.0063%); highest among the groups gnomAD compares: Middle Eastern, 0.051%; no homozygotes.

Submission:

Labcorp Genetics (formerly Invitae), Labcorp
Classification: Uncertain significance. Last evaluated: 2024-11-27. Review status: criteria provided, single submitter. Criteria: Invitae Variant Classification Sherloc (09022015). Collection method: clinical testing. Allele origin: germline.
Comment: This sequence change replaces arginine, which is basic and polar, with glutamine, which is neutral and polar, at codon 105 of the TCF3 protein (p.Arg105Gln). This variant is present in population databases (rs535762587, gnomAD 0.05%). This variant has not been reported in the literature in individuals affected with TCF3-related conditions. ClinVar contains an entry for this variant (Variation ID: 1402342). Invitae Evidence Modeling of protein sequence and biophysical properties (such as structural, functional, and spatial information, amino acid conservation, physicochemical variation, residue mobility, and thermodynamic stability) has been performed for this missense variant. However, the output from this modeling did not meet the statistical confidence thresholds required to predict the impact of this variant on TCF3 protein function. In summary, the available evidence is currently insufficient to determine the role of this variant in disease. Therefore, it has been classified as a Variant of Uncertain Significance.

NM_003200.5(TCF3):c.314G>A (p.Arg105Gln)

Gene: TCF3 (transcription factor 3; minus strand). Cytogenetic location: 19p13.3.
Variant type: single nucleotide variant.
Coding change: c.314G>A on transcript NM_003200.5 (MANE Select); coding-DNA position 314, G replaced by A.
Protein change: p.Arg105Gln; replaces arginine 105 with glutamine.
Molecular consequence: missense variant.
Genome position (GRCh38, 1-based): chr19:1,627,411, C>T on the plus strand (G>A on the coding strand, the complement: TCF3 is on the minus strand). VCF-style: chr19-1627411-C-T. GRCh37 (hg19) VCF-style: chr19-1627410-C-T.
Other names: c.314G>A, p.Arg105Gln (NM_001136139.4, NM_001351778.2, NM_001351779.2); short protein forms R105Q.
Identifiers: ClinVar variation 1402342 (VCV001402342.7), dbSNP rs535762587, ClinGen allele CA9050458.